The following is an entry in ClinVar:

ClinVar aggregate classification (germline): Conflicting classifications of pathogenicity. Review status: criteria provided, conflicting classifications (1 of 4 stars). 5 submissions from 5 submitters: Uncertain significance (2); Likely benign (2). 1 of the submissions does not count toward it. Last evaluated 2026-01-29.

Conditions:
CABP4-related disorder. Also called: CABP4-related condition.
Cone-rod synaptic disorder, congenital nonprogressive. Also called: NIGHT BLINDNESS, CONGENITAL STATIONARY, INCOMPLETE, AUTOSOMAL RECESSIVE. Identifiers: Orphanet 215, MedGen C4041558, MONDO:0012490, OMIM 610427.

Allele frequency attached by ClinVar (database versions not stated): ESP Exome Variant Server 0.00054; TOPMed 0.00057; gnomAD 0.00073.
gnomAD v4.1: 574 of 1,584,270 alleles (0.036%); highest among the groups gnomAD compares: African/African-American, 0.16%; 1 homozygote.

Submissions (5):

Labcorp Genetics (formerly Invitae), Labcorp
Classification: Likely benign. Last evaluated: 2026-01-29. Review status: criteria provided, single submitter. Criteria: Invitae Variant Classification Sherloc (09022015). Collection method: clinical testing. Allele origin: germline.

Blueprint Genetics
Classification: Likely benign. Last evaluated: 2024-07-02. Review status: criteria provided, single submitter. Criteria: ACMG Guidelines, 2015. Collection method: clinical testing. Allele origin: germline.

Illumina Laboratory Services, Illumina
Classification: Uncertain significance for Cone-rod synaptic disorder, congenital nonprogressive. Last evaluated: 2018-01-12. Review status: criteria provided, single submitter. Criteria: ICSL Variant Classification Criteria 13 December 2019. Collection method: clinical testing. Allele origin: germline.

Eurofins Ntd Llc (ga)
Classification: Uncertain significance. Last evaluated: 2017-02-06. Review status: criteria provided, single submitter. Criteria: EGL Classification Definitions 2015. Collection method: clinical testing. Allele origin: germline. Observed: 1 variant allele, 1 heterozygote.

PreventionGenetics, part of Exact Sciences
Classification: Likely benign for CABP4-related condition. Last evaluated: 2024-09-09. Review status: no assertion criteria provided. Collection method: clinical testing. Allele origin: germline. Not counted in ClinVar's aggregate classification.
Comment: This variant is classified as likely benign based on ACMG/AMP sequence variant interpretation guidelines (Richards et al. 2015 PMID: 25741868, with internal and published modifications).

NM_145200.5(CABP4):c.547G>C (p.Gly183Arg)

Gene: CABP4 (calcium binding protein 4; plus strand). Cytogenetic location: 11q13.2.
Variant type: single nucleotide variant.
Coding change: c.547G>C on transcript NM_145200.5 (MANE Select); coding-DNA position 547, G replaced by C.
Protein change: p.Gly183Arg; replaces glycine 183 with arginine.
Molecular consequence: missense variant. On other transcripts: non-coding transcript variant (1).
Genome position (GRCh38, 1-based): chr11:67,457,578, G>C. VCF-style: chr11-67457578-G-C. GRCh37 (hg19) VCF-style: chr11-67225049-G-C.
Other names: c.232G>C, p.Gly78Arg (NM_001300895.3, NM_001300896.3, NM_001379183.1); short protein forms G183R, G78R.
Identifiers: ClinVar variation 305657 (VCV000305657.20), dbSNP rs146764702, ClinGen allele CA6140273.